The following is an entry in ClinVar:

ClinVar aggregate classification (germline): Uncertain significance (1 of 4 stars; one submission).

Conditions:
Hereditary cancer-predisposing syndrome. Also called: Hereditary neoplastic syndrome; Hereditary Cancer Syndrome; Neoplastic Syndromes, Hereditary; Tumor predisposition. Identifiers: Orphanet 140162, MedGen C0027672, MeSH D009386, MONDO:0015356.

Submission:

Labcorp Genetics (formerly Invitae), Labcorp
Classification: Uncertain significance for Hereditary cancer-predisposing syndrome. Last evaluated: 2023-10-17. Review status: criteria provided, single submitter. Criteria: Invitae Variant Classification Sherloc (09022015). Collection method: clinical testing. Allele origin: germline.
Comment: This sequence change replaces lysine, which is basic and polar, with leucine, which is neutral and non-polar, at codon 230 of the RAD50 protein (p.Lys230Leu). Information on the frequency of this variant in the gnomAD database is not available, as this variant may be reported differently in the database. This variant has not been reported in the literature in individuals affected with RAD50-related conditions. An algorithm developed to predict the effect of missense changes on protein structure and function (PolyPhen-2) suggests that this variant is likely to be tolerated. In summary, the available evidence is currently insufficient to determine the role of this variant in disease. Therefore, it has been classified as a Variant of Uncertain Significance.

NM_005732.4(RAD50):c.688_689inv (p.Lys230Leu)

Gene: RAD50 (RAD50 double strand break repair protein; plus strand). Cytogenetic location: 5q31.1.
Variant type: Inversion.
Coding change: c.688_689inv on transcript NM_005732.4 (MANE Select).
Protein change: p.Lys230Leu; replaces lysine 230 with leucine.
Molecular consequence: missense variant.
Genome position: GRCh38 VCF-style: chr5-132579998-AA-TT. GRCh37 (hg19) VCF-style: chr5-131915690-AA-TT.
Other names: short protein forms K230L.
Identifiers: ClinVar variation 2769318 (VCV002769318.3), ClinGen allele CA2697546204.
Genomic context (GRCh38, chr5:132,579,998, plus strand): 5'-CTAAAATATCTGAAGCAATATAAGGAAAAAGCTTGTGAGATTCGTGATCAGATTACAAGT[AA>TT]GGAAGCCCAGTTAACATCTTCAAAGGAAATTGTCAAATCCTATGAGAATGAACTTGATCC-3'
Protein context (NP_005723.2, residues 220-240): ACEIRDQITS[Lys230Leu]EAQLTSSKEI